The following is an entry in ClinVar:

ClinVar aggregate classification (germline): Likely pathogenic (1 of 4 stars; one submission).

Conditions:
Dilated cardiomyopathy 1G (CMD1G). Identifiers: Orphanet 154, MedGen C1858763, MONDO:0011400, OMIM 604145.
Autosomal recessive limb-girdle muscular dystrophy type 2J (LGMDR10). Also called: Limb-girdle muscular dystrophy, type 2J; MUSCULAR DYSTROPHY, LIMB-GIRDLE, AUTOSOMAL RECESSIVE 10. Identifiers: Orphanet 140922, MedGen C1837342, MONDO:0012127, OMIM 608807.

Allele frequency attached by ClinVar (database versions not stated): gnomAD exomes below 0.00001.

Submission:

Labcorp Genetics (formerly Invitae), Labcorp
Classification: Likely pathogenic for Dilated cardiomyopathy 1G; Autosomal recessive limb-girdle muscular dystrophy type 2J. Last evaluated: 2023-12-06. Review status: criteria provided, single submitter. Criteria: Invitae Variant Classification Sherloc (09022015). Collection method: clinical testing. Allele origin: germline.
Comment: This sequence change creates a premature translational stop signal (p.Gln2172*) in the TTN gene. While this is not anticipated to result in nonsense mediated decay, it is expected to create a truncated TTN protein. This variant is not present in population databases (gnomAD no frequency). This variant has not been reported in the literature in individuals affected with TTN-related conditions. Algorithms developed to predict the effect of sequence changes on RNA splicing suggest that this variant may create or strengthen a splice site. This variant is located in the I band of TTN (PMID: 25589632). Truncating variants in this region have been reported in individuals affected with autosomal recessive centronuclear myopathy (PMID: 23975875). Truncating variants in this region have also been identified in individuals affected with autosomal dominant dilated cardiomyopathy and/or cardio-related conditions (PMID: 27869827, 32964742). In summary, the currently available evidence indicates that the variant is pathogenic, but additional data are needed to prove that conclusively. Therefore, this variant has been classified as Likely Pathogenic.

Literature cited by the submitters: PubMed 25589632; PubMed 23975875; PubMed 27869827; PubMed 32964742.

NM_001267550.2(TTN):c.6514C>T (p.Gln2172Ter)

Gene: TTN (titin; minus strand). Cytogenetic location: 2q31.2.
Variant type: single nucleotide variant.
Coding change: c.6514C>T on transcript NM_001267550.2 (MANE Select); coding-DNA position 6514, C replaced by T.
Protein change: p.Gln2172Ter; replaces glutamine 2172 with a stop codon.
Molecular consequence: nonsense.
Genome position (GRCh38, 1-based): chr2:178,775,197, G>A on the plus strand (C>T on the coding strand, the complement: TTN is on the minus strand). VCF-style: chr2-178775197-G-A. GRCh37 (hg19) VCF-style: chr2-179639924-G-A.
Other names: c.6514C>T, p.Gln2172Ter (NM_001256850.1, NM_133378.4, NM_133379.5); c.6376C>T, p.Gln2126Ter (NM_003319.4, NM_133432.3, NM_133437.4); short protein forms Q2126*, Q2172*.
Identifiers: ClinVar variation 2950224 (VCV002950224.3), dbSNP rs77675851, ClinGen allele CA349682653.
Genomic context (GRCh38, chr2:178,775,197, plus strand): 5'-CCATAGTGTCTTTTTCCTTAGCAACAACATCTTGTAATTCCTGTGTGAAAGTGATCAATT[G>A]CTTGGCTACAAGAAAAAGGTGGGGGAAAAAGGGGAGAGCACATTATATTAAATTAAATTC-3'